The following is an entry in ClinVar:

NM_005343.4(HRAS):c.412G>A (p.Gly138Ser)

Genes: HRAS (HRas proto-oncogene, GTPase; minus strand), LRRC56 (leucine rich repeat containing 56; plus strand). Cytogenetic location: 11p15.5.
Variant type: single nucleotide variant.
Coding change: c.412G>A on transcript NM_005343.4 (MANE Select); coding-DNA position 412, G replaced by A.
Protein change: p.Gly138Ser; replaces glycine 138 with serine.
Molecular consequence: missense variant. On other transcripts: synonymous variant (1).
Genome position (GRCh38, 1-based): chr11:533,491, C>T on the plus strand (G>A on the coding strand, the complement: HRAS is on the minus strand). VCF-style: chr11-533491-C-T. GRCh37 (hg19) VCF-style: chr11-533491-C-T.
Other names: c.412G>A (NM_005343.3); c.412G>A, p.Gly138Ser (NM_001130442.3, NM_176795.5); c.93G>A, p.Thr31= (NM_001318054.2); short protein forms G138S.
Identifiers: ClinVar variation 45304 (VCV000045304.21), dbSNP rs397517142, ClinGen allele CA135988.

ClinVar aggregate classification (germline): Uncertain significance. Review status: reviewed by expert panel (3 of 4 stars). 9 submissions from 9 submitters: Uncertain significance (1). 8 of the submissions do not count toward it. Last evaluated 2019-07-25.

Conditions:
HRAS-related disorder. Also called: HRAS-related condition.
Cardiovascular phenotype. Identifiers: MedGen CN230736.
Large congenital melanocytic nevus (CMNS). Also called: MELANOCYTIC NEVUS SYNDROME, CONGENITAL, SOMATIC; Congenital giant melanocytic nevus; Giant hairy nevus; Bathing trunk nevus; Congenital giant pigmented nevus; Giant congenital nevus. Identifiers: Orphanet 626, MedGen C1842036, MONDO:0044792, OMIM 137550, HP:0005600.
Thyroid cancer, nonmedullary, 2 (NMTC2). Also called: Thyroid carcinoma, follicular, somatic; THYROID CANCER, NONMEDULLARY, 2, SUSCEPTIBILITY TO; THYROID CARCINOMA, FOLLICULAR. Identifiers: MedGen C4225426, MONDO:0008566, OMIM 188470.
Linear nevus sebaceous syndrome. Also called: Nevus, Sebaceous of Jadassohn; SCHIMMELPENNING-FEUERSTEIN-MIMS SYNDROME, SOMATIC MOSAIC; NEVUS SEBACEUS OF JADASSOHN; ORGANOID NEVUS PHAKOMATOSIS; SFM SYNDROME; Linear sebaceous nevus sequence. Identifiers: Orphanet 2612, MedGen C4552097, MONDO:0008097, OMIM 163200, HP:0010817.
Malignant tumor of urinary bladder. Also called: Urinary Bladder Neoplasms; Bladder cancer; Urinary bladder cancer. Identifiers: MedGen C0005684, MONDO:0001187, OMIM 109800.
Costello syndrome (CSTLO). Also called: HRAS-Related Costello Syndrome; FACIOCUTANEOSKELETAL SYNDROME; FCS SYNDROME. Identifiers: Orphanet 3071, MedGen C0587248, MONDO:0009026, OMIM 218040.
Epidermal nevus. Also called: Nevus, epidermal, somatic; NEVUS, KERATINOCYTIC, NONEPIDERMOLYTIC. Identifiers: Orphanet 79414, MedGen C0334082, MONDO:0008093, OMIM 162900, HP:0010816.
Hereditary cancer-predisposing syndrome. Also called: Neoplastic Syndromes, Hereditary; Hereditary Cancer Syndrome; Hereditary neoplastic syndrome; Tumor predisposition. Identifiers: Orphanet 140162, MedGen C0027672, MeSH D009386, MONDO:0015356.
RASopathy. Also called: Noonan spectrum disorder; rasopathies. Identifiers: Orphanet 536391, MedGen C5555857, MONDO:0021060.

Allele frequency attached by ClinVar (database versions not stated): ExAC 0.00001; gnomAD exomes 0.00001 and 0.00002; gnomAD 0.00003; TOPMed 0.00003; 1000 Genomes Project 30x 0.00016; 1000 Genomes Project 0.00020.
gnomAD v4.1: 24 of 1,613,594 alleles (0.0015%); highest among the groups gnomAD compares: East Asian, 0.0067%; no homozygotes.

Submissions (9):

ClinGen RASopathy Variant Curation Expert Panel
Classification: Uncertain significance for RASopathy. Last evaluated: 2019-07-25. Review status: reviewed by expert panel. Criteria: ClinGen RASopathy ACMG Specifications v1. Collection method: curation. Allele origin: germline. Inheritance: Autosomal dominant inheritance.
Comment: PS4_Supporting not met due to conflicting phenotypes between the identified patients. HRAS has been defined by the ClinGen RASopathy Expert Panel as a gene with a low rate of benign missense variants and pathogenic missense variants are common (PP2; PMID: 29493581). In summary, the clinical significance of the p.Gly138Ser variant is uncertain. RASopathy-specific ACMG/AMP criteria applied (PMID:29493581): PP2.

Labcorp Genetics (formerly Invitae), Labcorp
Classification: Likely benign for Costello syndrome. Last evaluated: 2025-11-05. Review status: criteria provided, single submitter. Criteria: Invitae Variant Classification Sherloc (09022015). Collection method: clinical testing. Allele origin: germline. Not counted in ClinVar's aggregate classification.

Fulgent Genetics
Classification: Uncertain significance for Malignant tumor of urinary bladder; Large congenital melanocytic nevus; Epidermal nevus; Linear nevus sebaceous syndrome; Thyroid cancer, nonmedullary, 2; Costello syndrome. Last evaluated: 2024-05-21. Review status: criteria provided, single submitter. Criteria: ACMG Guidelines, 2015. Collection method: clinical testing. Allele origin: germline. Not counted in ClinVar's aggregate classification.

Ambry Genetics
Classification: Uncertain significance for Cardiovascular phenotype. Last evaluated: 2024-01-05. Review status: criteria provided, single submitter. Criteria: Ambry Variant Classification Scheme 2023. Collection method: clinical testing. Allele origin: germline. Not counted in ClinVar's aggregate classification.
Comment: The p.G138S variant (also known as c.412G>A), located in coding exon 3 of the HRAS gene, results from a G to A substitution at nucleotide position 412. The glycine at codon 138 is replaced by serine, an amino acid with similar properties. This amino acid position is well conserved in available vertebrate species. In addition, this alteration is predicted to be tolerated by in silico analysis. Since supporting evidence is limited at this time, the clinical significance of this alteration remains unclear.

Mayo Clinic Laboratories, Mayo Clinic
Classification: Uncertain significance. Last evaluated: 2023-07-31. Review status: criteria provided, single submitter. Criteria: ACMG Guidelines, 2015. Collection method: clinical testing. Allele origin: germline. Observed: 4 variant alleles. Not counted in ClinVar's aggregate classification.
Comment: BP4, PP2

PreventionGenetics, part of Exact Sciences
Classification: Uncertain significance for HRAS-related condition. Last evaluated: 2022-08-24. Review status: criteria provided, single submitter. Criteria: ACMG Guidelines, 2015. Collection method: clinical testing. Allele origin: germline. Not counted in ClinVar's aggregate classification.
Comment: The HRAS c.412G>A variant is predicted to result in the amino acid substitution p.Gly138Ser. To our knowledge, this variant has not been reported in the literature. This variant is reported in 0.011% of alleles in individuals of East Asian descent in gnomAD. In ClinVar this variant has been interpreted as uncertain and likely benign. At this time, the clinical significance of this variant is uncertain due to the absence of conclusive functional and genetic evidence.

Sema4
Classification: Uncertain significance for Hereditary cancer-predisposing syndrome. Last evaluated: 2021-05-20. Review status: criteria provided, single submitter. Criteria: Sema4 Curation Guidelines. Collection method: curation. Allele origin: germline. Not counted in ClinVar's aggregate classification.
Comment: The HRAS c.412G>A (p.G138S) variant has not been reported in the literature to our knowledge. It was observed in 4/251114 chromosomes in the Genome Aggregation Database (PMID: 32461654). The variant has been reported in ClinVar (Variation ID 45304). The serine amino acid residue is found in several vertebrate species, raising the possibility that this change might be tolerated. Other in silico tools suggest the impact of the variant on protein function is inconclusive, though these predictions have not been confirmed by functional studies. The evidence is insufficient to meet ACMG/AMP criteria for classifying the variant as benign or pathogenic. Thus, the clinical significance of this variant is currently uncertain.

GeneDx
Classification: Uncertain significance. Last evaluated: 2017-11-17. Review status: criteria provided, single submitter. Criteria: GeneDx Variant Classification (06012015). Collection method: clinical testing. Allele origin: germline. Affected: yes. Not counted in ClinVar's aggregate classification.
Comment: A variant of uncertain significance has been identified in the HRAS gene. The G138S variant has not been published as pathogenic or been reported as benign to our knowledge. The G138S variant is not observed at a significant frequency in large population cohorts (Lek et al., 2016). The G138S variant is a non-conservative amino acid substitution, which is likely to impact secondary protein structure as these residues differ in polarity, charge, size and/or other properties. In-silico analyses, including protein predictors and evolutionary conservation, support a deleterious effect. However, no missense variants in nearby residues have been reported in the Human Gene Mutation Database in association with a RASopathy (Stenson et al., 2014).

Laboratory for Molecular Medicine, Mass General Brigham Personalized Medicine
Classification: Likely benign. Last evaluated: 2009-02-20. Review status: criteria provided, single submitter. Criteria: LMM Criteria. Collection method: clinical testing. Allele origin: germline. Observed: 2 variant alleles. Not counted in ClinVar's aggregate classification.